The following is an entry in ClinVar:

NM_006904.7(PRKDC):c.394A>C (p.Ile132Leu)

Gene: PRKDC (protein kinase, DNA-activated, catalytic subunit; minus strand). Cytogenetic location: 8q11.21.
Variant type: single nucleotide variant.
Coding change: c.394A>C on transcript NM_006904.7 (MANE Select); coding-DNA position 394, A replaced by C.
Protein change: p.Ile132Leu; replaces isoleucine 132 with leucine.
Molecular consequence: missense variant.
Genome position (GRCh38, 1-based): chr8:47,955,879, T>G on the plus strand (A>C on the coding strand, the complement: PRKDC is on the minus strand). VCF-style: chr8-47955879-T-G. GRCh37 (hg19) VCF-style: chr8-48868439-T-G.
Other names: c.394A>C, p.Ile132Leu (NM_001081640.2); short protein forms I132L.
Identifiers: ClinVar variation 1498698 (VCV001498698.5), dbSNP rs746211660, ClinGen allele CA4742037.

ClinVar aggregate classification (germline): Uncertain significance. Review status: criteria provided, multiple submitters, no conflicts (2 of 4 stars). 2 submissions from 2 submitters: Uncertain significance (2). Last evaluated 2022-10-08.

Conditions:
Severe combined immunodeficiency due to DNA-PKcs deficiency. Also called: IMMUNODEFICIENCY 26 WITH NEUROLOGIC ABNORMALITIES; Immunodeficiency 26 with or without neurologic abnormalities. Identifiers: Orphanet 317425, MedGen C4014833, MONDO:0014423, OMIM 615966.

Allele frequency attached by ClinVar (database versions not stated): ExAC 0.00001; gnomAD exomes 0.00001 and 0.00005; gnomAD 0.00002.
gnomAD v4.1: 80 of 1,588,408 alleles (0.005%); highest among the groups gnomAD compares: Non-Finnish European, 0.0065%; no homozygotes.

Submissions (2):

Ambry Genetics
Classification: Uncertain significance. Last evaluated: 2022-10-08. Review status: criteria provided, single submitter. Criteria: Ambry Variant Classification Scheme 2023. Collection method: clinical testing. Allele origin: germline.
Comment: The p.I132L variant (also known as c.394A>C), located in coding exon 4 of the PRKDC gene, results from an A to C substitution at nucleotide position 394. The isoleucine at codon 132 is replaced by leucine, an amino acid with highly similar properties. This amino acid position is conserved. In addition, this alteration is predicted to be tolerated by in silico analysis. Since supporting evidence is limited at this time, the clinical significance of this alteration remains unclear.

Labcorp Genetics (formerly Invitae), Labcorp
Classification: Uncertain significance for Severe combined immunodeficiency due to DNA-PKcs deficiency. Last evaluated: 2022-08-19. Review status: criteria provided, single submitter. Criteria: Invitae Variant Classification Sherloc (09022015). Collection method: clinical testing. Allele origin: germline.
Comment: This sequence change replaces isoleucine, which is neutral and non-polar, with leucine, which is neutral and non-polar, at codon 132 of the PRKDC protein (p.Ile132Leu). This variant is present in population databases (rs746211660, gnomAD 0.007%). This variant has not been reported in the literature in individuals affected with PRKDC-related conditions. ClinVar contains an entry for this variant (Variation ID: 1498698). Experimental studies and prediction algorithms are not available or were not evaluated, and the functional significance of this variant is currently unknown. In summary, the available evidence is currently insufficient to determine the role of this variant in disease. Therefore, it has been classified as a Variant of Uncertain Significance.